The following is an entry in ClinVar:

NM_003680.4(YARS1):c.1494T>C (p.Ser498=)

Gene: YARS1 (tyrosyl-tRNA synthetase 1; minus strand). Cytogenetic location: 1p35.1.
Variant type: single nucleotide variant.
Coding change: c.1494T>C on transcript NM_003680.4 (MANE Select); coding-DNA position 1494, T replaced by C.
Protein change: p.Ser498=; no amino-acid change (serine 498 retained).
Molecular consequence: synonymous variant.
Genome position (GRCh38, 1-based): chr1:32,776,074, A>G on the plus strand (T>C on the coding strand, the complement: YARS1 is on the minus strand). VCF-style: chr1-32776074-A-G. GRCh37 (hg19) VCF-style: chr1-33241675-A-G.
Identifiers: ClinVar variation 1158750 (VCV001158750.10), dbSNP rs746559511, ClinGen allele CA744872.

ClinVar aggregate classification (germline): Likely benign. Review status: criteria provided, multiple submitters, no conflicts (2 of 4 stars). 2 submissions from 2 submitters: Likely benign (2). Last evaluated 2025-10-08.

Conditions:
Charcot-Marie-Tooth disease dominant intermediate C (CMTDIC). Also called: CHARCOT-MARIE-TOOTH NEUROPATHY, DOMINANT INTERMEDIATE C. Identifiers: Orphanet 100045, MedGen C1842237, MONDO:0012012, OMIM 608323.

Allele frequency attached by ClinVar (database versions not stated): TOPMed below 0.00001; ExAC 0.00001; gnomAD 0.00001; gnomAD exomes 0.00001 and 0.00002.
gnomAD v4.1: 28 of 1,613,942 alleles (0.0017%); highest among the groups gnomAD compares: Non-Finnish European, 0.0022%; no homozygotes.

Submissions (2):

Women's Health and Genetics/Laboratory Corporation of America, LabCorp
Classification: Likely benign. Last evaluated: 2025-10-08. Review status: criteria provided, single submitter. Criteria: LabCorp Variant Classification Summary - May 2015. Collection method: clinical testing. Allele origin: germline.
Comment: Variant summary: YARS1 c.1494T>C alters a conserved nucleotide resulting in a synonymous change. Consensus agreement among computation tools predict no significant impact on normal splicing. However, these predictions have yet to be confirmed by functional studies. The variant allele was found at a frequency of 8e-06 in 249000 control chromosomes. The available data on variant occurrences in the general population are insufficient to allow any conclusion about variant significance. To our knowledge, no occurrence of c.1494T>C in individuals affected with YARS1-related conditions and no experimental evidence demonstrating its impact on protein function have been reported. ClinVar contains an entry for this variant (Variation ID: 1158750). Based on the evidence outlined above, the variant was classified as likely benign.

Labcorp Genetics (formerly Invitae), Labcorp
Classification: Likely benign for Charcot-Marie-Tooth disease dominant intermediate C. Last evaluated: 2024-08-13. Review status: criteria provided, single submitter. Criteria: Invitae Variant Classification Sherloc (09022015). Collection method: clinical testing. Allele origin: germline.